The following is an entry in ClinVar:

NM_000701.8(ATP1A1):c.1709A>C (p.Gln570Pro)

Genes: ATP1A1-AS1 (ATP1A1 antisense RNA 1; minus strand), ATP1A1 (ATPase Na+/K+ transporting subunit alpha 1; plus strand). Cytogenetic location: 1p13.1.
Variant type: single nucleotide variant.
Coding change: c.1709A>C on transcript NM_000701.8 (MANE Select); coding-DNA position 1709, A replaced by C.
Protein change: p.Gln570Pro; replaces glutamine 570 with proline.
Molecular consequence: missense variant.
Genome position (GRCh38, 1-based): chr1:116,395,158, A>C. VCF-style: chr1-116395158-A-C. GRCh37 (hg19) VCF-style: chr1-116937780-A-C.
Other names: c.1709A>C, p.Gln570Pro (NM_001160233.2); c.1616A>C, p.Gln539Pro (NM_001160234.2); short protein forms Q539P, Q570P.
Identifiers: ClinVar variation 3774621 (VCV003774621.1).

ClinVar aggregate classification (germline): Uncertain significance (1 of 4 stars; one submission).

gnomAD v4.1: 1 of 1,614,144 alleles (0.000062%); highest among the groups gnomAD compares: Non-Finnish European, 0.000085%; no homozygotes.

Submission:

GeneDx
Classification: Uncertain significance. Last evaluated: 2024-09-29. Review status: criteria provided, single submitter. Criteria: GeneDx Variant Classification Process June 2021. Collection method: clinical testing. Allele origin: germline. Affected: yes.
Comment: Not observed at significant frequency in large population cohorts (gnomAD); In silico analysis indicates that this missense variant does not alter protein structure/function; Has not been previously published as pathogenic or benign to our knowledge